The following is an entry in ClinVar:

ClinVar aggregate classification (germline): Uncertain significance (1 of 4 stars; one submission).

Conditions:
Bethlem myopathy 1A. Also called: Bethlem myopathy 1; Bethlem Muscular Dystrophy; MYOPATHY, BENIGN CONGENITAL, WITH CONTRACTURES. Identifiers: Orphanet 610, MedGen CN029274, MONDO:0024530, OMIM 158810.

Submission:

Labcorp Genetics (formerly Invitae), Labcorp
Classification: Uncertain significance for Bethlem myopathy 1A. Last evaluated: 2023-10-13. Review status: criteria provided, single submitter. Criteria: Invitae Variant Classification Sherloc (09022015). Collection method: clinical testing. Allele origin: germline.
Comment: This sequence change falls in intron 36 of the COL6A3 gene. It does not directly change the encoded amino acid sequence of the COL6A3 protein. It affects a nucleotide within the consensus splice site. This variant is not present in population databases (gnomAD no frequency). This variant has not been reported in the literature in individuals affected with COL6A3-related conditions. Variants that disrupt the consensus splice site are a relatively common cause of aberrant splicing (PMID: 17576681, 9536098). Algorithms developed to predict the effect of sequence changes on RNA splicing suggest that this variant may disrupt the consensus splice site. In summary, the available evidence is currently insufficient to determine the role of this variant in disease. Therefore, it has been classified as a Variant of Uncertain Significance.

Literature cited by the submitters: PubMed 17576681; PubMed 9536098.

NM_004369.4(COL6A3):c.7668+5G>C

Gene: COL6A3 (collagen type VI alpha 3 chain; minus strand). Cytogenetic location: 2q37.3.
Variant type: single nucleotide variant.
Coding change: c.7668+5G>C on transcript NM_004369.4 (MANE Select); 5 bases into the intron after coding-DNA position 7668, G replaced by C.
Molecular consequence: intron variant.
Genome position (GRCh38, 1-based): chr2:237,344,345, C>G on the plus strand (G>C on the coding strand, the complement: COL6A3 is on the minus strand). VCF-style: chr2-237344345-C-G. GRCh37 (hg19) VCF-style: chr2-238252988-C-G.
Other names: c.5847+5G>C (NM_057166.5); c.7050+5G>C (NM_057167.4).
Identifiers: ClinVar variation 2751432 (VCV002751432.3), dbSNP rs2469816613, ClinGen allele CA2697550604.